The following is an entry in ClinVar:

ClinVar aggregate classification (germline): Uncertain significance. Review status: criteria provided, multiple submitters, no conflicts (2 of 4 stars). 2 submissions from 2 submitters: Uncertain significance (2). Last evaluated 2024-07-06.

Conditions:
Inborn genetic diseases. Identifiers: MedGen C0950123, MeSH D030342.
Neuropathy, hereditary sensory and autonomic, type 1C. Also called: HSAN IC; HSN IC. Identifiers: Orphanet 36386, MedGen C3150896, MONDO:0013337, OMIM 613640.

Allele frequency attached by ClinVar (database versions not stated): ExAC 0.00001; gnomAD exomes 0.00001; gnomAD 0.00002; TOPMed 0.00002.
gnomAD v4.1: 8 of 1,614,012 alleles (0.0005%); highest among the groups gnomAD compares: Admixed American, 0.012%; no homozygotes.

Submissions (2):

Labcorp Genetics (formerly Invitae), Labcorp
Classification: Uncertain significance for Neuropathy, hereditary sensory and autonomic, type 1C. Last evaluated: 2024-07-06. Review status: criteria provided, single submitter. Criteria: Invitae Variant Classification Sherloc (09022015). Collection method: clinical testing. Allele origin: germline.
Comment: This sequence change replaces alanine, which is neutral and non-polar, with serine, which is neutral and polar, at codon 332 of the SPTLC2 protein (p.Ala332Ser). This variant is present in population databases (rs767978353, gnomAD 0.01%). This missense change has been observed in individual(s) with clinical features of SPTLC2-related conditions (PMID: 31692161). ClinVar contains an entry for this variant (Variation ID: 471495). Advanced modeling of protein sequence and biophysical properties (such as structural, functional, and spatial information, amino acid conservation, physicochemical variation, residue mobility, and thermodynamic stability) performed at Invitae indicates that this missense variant is not expected to disrupt SPTLC2 protein function with a negative predictive value of 80%. In summary, the available evidence is currently insufficient to determine the role of this variant in disease. Therefore, it has been classified as a Variant of Uncertain Significance.

Ambry Genetics
Classification: Uncertain significance for Inborn genetic diseases. Last evaluated: 2021-05-04. Review status: criteria provided, single submitter. Criteria: Ambry Variant Classification Scheme 2023. Collection method: clinical testing. Allele origin: germline.
Comment: The p.A332S variant (also known as c.994G>T), located in coding exon 8 of the SPTLC2 gene, results from a G to T substitution at nucleotide position 994. The alanine at codon 332 is replaced by serine, an amino acid with similar properties. This variant was detected in an individual with adult-onset spasticity; however, clinical details were limited (Ngo KJ et al. Hum Mutat, 2020 02;41:487-501). This amino acid position is highly conserved in available vertebrate species. In addition, the in silico prediction for this alteration is inconclusive. Since supporting evidence is limited at this time, the clinical significance of this alteration remains unclear.

Literature cited by the submitters: PubMed 31692161 (cited by Labcorp Genetics (formerly Invitae), Labcorp and Ambry Genetics).

NM_004863.4(SPTLC2):c.994G>T (p.Ala332Ser)

Gene: SPTLC2 (serine palmitoyltransferase long chain base subunit 2; minus strand). Cytogenetic location: 14q24.3.
Variant type: single nucleotide variant.
Coding change: c.994G>T on transcript NM_004863.4 (MANE Select); coding-DNA position 994, G replaced by T.
Protein change: p.Ala332Ser; replaces alanine 332 with serine.
Molecular consequence: missense variant.
Genome position (GRCh38, 1-based): chr14:77,555,482, C>A on the plus strand (G>T on the coding strand, the complement: SPTLC2 is on the minus strand). VCF-style: chr14-77555482-C-A. GRCh37 (hg19) VCF-style: chr14-78021825-C-A.
Other names: short protein forms A332S.
Identifiers: ClinVar variation 471495 (VCV000471495.12), dbSNP rs767978353, ClinGen allele CA7289300.